The following is an entry in ClinVar:

ClinVar aggregate classification (germline): Pathogenic (1 of 4 stars; one submission).

Submission:

GeneDx
Classification: Pathogenic. Last evaluated: 2024-08-26. Review status: criteria provided, single submitter. Criteria: GeneDx Variant Classification Process June 2021. Collection method: clinical testing. Allele origin: germline. Affected: yes.
Comment: Has not been previously published as pathogenic or benign to our knowledge; Located in the highly conserved Gly-X-Y repeat of the collagenous domain; Glycine substitution variants in this region of the COLVII protein destabilize the collagen triple helix resulting in skin fragility due to poor anchoring of the basement membrane to the underlying dermis (PMID: 20301481); Not observed at significant frequency in large population cohorts (gnomAD); In silico analysis supports that this missense variant has a deleterious effect on protein structure/function; This variant is associated with the following publications: (PMID: 20301481)

NM_000094.4(COL7A1):c.5774G>T (p.Gly1925Val)

Gene: COL7A1 (collagen type VII alpha 1 chain; minus strand). Cytogenetic location: 3p21.31.
Variant type: single nucleotide variant.
Coding change: c.5774G>T on transcript NM_000094.4 (MANE Select); coding-DNA position 5774, G replaced by T.
Protein change: p.Gly1925Val; replaces glycine 1925 with valine.
Molecular consequence: missense variant.
Genome position (GRCh38, 1-based): chr3:48,576,295, C>A on the plus strand (G>T on the coding strand, the complement: COL7A1 is on the minus strand). VCF-style: chr3-48576295-C-A. GRCh37 (hg19) VCF-style: chr3-48613728-C-A.
Other names: short protein forms G1925V.
Identifiers: ClinVar variation 3766081 (VCV003766081.1).